The following is an entry in ClinVar:

ClinVar aggregate classification (germline): Conflicting classifications of pathogenicity. Review status: criteria provided, conflicting classifications (1 of 4 stars). 3 submissions from 3 submitters: Uncertain significance (2); Likely benign (1). Last evaluated 2026-07-18.

Conditions:
Hereditary cancer-predisposing syndrome. Also called: Hereditary Cancer Syndrome; Tumor predisposition; Neoplastic Syndromes, Hereditary; Hereditary neoplastic syndrome. Identifiers: Orphanet 140162, MedGen C0027672, MeSH D009386, MONDO:0015356.
Hereditary breast ovarian cancer syndrome. Also called: Hereditary breast and ovarian cancer; Hereditary breast and/or ovarian cancer syndrome; Breast and ovarian cancer; Hereditary breast and ovarian cancer syndrome; Hereditary breast and ovarian cancer syndrome (HBOC); BRCA1- and BRCA2-Associated Hereditary Breast and Ovarian Cancer. Identifiers: Orphanet 145, MedGen C0677776, MeSH D061325, MONDO:0003582. Disease mechanism: loss of function.

Submissions (3):

Ambry Genetics
Classification: Uncertain significance for Hereditary cancer-predisposing syndrome. Last evaluated: 2026-07-18. Review status: criteria provided, single submitter. Criteria: Ambry Variant Classification Scheme 2023. Collection method: clinical testing. Allele origin: germline.
Comment: The p.K725T variant (also known as c.2174A>C), located in coding exon 10 of the BRCA2 gene, results from an A to C substitution at nucleotide position 2174. The lysine at codon 725 is replaced by threonine, an amino acid with similar properties. This amino acid position is conserved. In addition, this alteration is predicted to be tolerated by in silico analysis. Based on the available evidence, the clinical significance of this variant remains unclear.

University of Washington Department of Laboratory Medicine, University of Washington
Classification: Likely benign for Hereditary cancer-predisposing syndrome. Last evaluated: 2023-03-23. Review status: criteria provided, single submitter. Criteria: Dines et al. (Genet Med. 2020). Collection method: curation. Allele origin: germline.
Comment: Missense variant in a coldspot region where missense variants are very unlikely to be pathogenic (PMID:31911673).

BRCA2 exon 11 coldspot. Reclassification based on statistical prior probability.

Labcorp Genetics (formerly Invitae), Labcorp
Classification: Uncertain significance for Hereditary breast ovarian cancer syndrome. Last evaluated: 2021-09-18. Review status: criteria provided, single submitter. Criteria: Invitae Variant Classification Sherloc (09022015). Collection method: clinical testing. Allele origin: germline.
Comment: In summary, the available evidence is currently insufficient to determine the role of this variant in disease. Therefore, it has been classified as a Variant of Uncertain Significance. Advanced modeling of protein sequence and biophysical properties (such as structural, functional, and spatial information, amino acid conservation, physicochemical variation, residue mobility, and thermodynamic stability) performed at Invitae indicates that this missense variant is not expected to disrupt BRCA2 protein function. This variant has not been reported in the literature in individuals affected with BRCA2-related conditions. This variant is not present in population databases (ExAC no frequency). This sequence change replaces lysine with threonine at codon 725 of the BRCA2 protein (p.Lys725Thr). The lysine residue is weakly conserved and there is a moderate physicochemical difference between lysine and threonine.

NM_000059.4(BRCA2):c.2174A>C (p.Lys725Thr)

Gene: BRCA2 (BRCA2 DNA repair associated; plus strand). Cytogenetic location: 13q13.1.
Variant type: single nucleotide variant.
Coding change: c.2174A>C on transcript NM_000059.4 (MANE Select); coding-DNA position 2174, A replaced by C.
Protein change: p.Lys725Thr; replaces lysine 725 with threonine.
Molecular consequence: missense variant.
Genome position (GRCh38, 1-based): chr13:32,336,529, A>C. VCF-style: chr13-32336529-A-C. GRCh37 (hg19) VCF-style: chr13-32910666-A-C.
Other names: c.2174A>C (NM_000059.3); short protein forms K725T.
Identifiers: ClinVar variation 1472805 (VCV001472805.8), dbSNP rs2137483940, ClinGen allele CA387770322.
Genomic context (GRCh38, chr13:32,336,529, plus strand): 5'-AAGCTGATTCTCTGTCATGCCTGCAGGAAGGACAGTGTGAAAATGATCCAAAAAGCAAAA[A>C]AGTTTCAGATATAAAAGAAGAGGTCTTGGCTGCAGCATGTCACCCAGTACAACATTCAAA-3'
Protein context (NP_000050.3, residues 715-735): GQCENDPKSK[Lys725Thr]VSDIKEEVLA